The following is an entry in ClinVar:

ClinVar aggregate classification (germline): Benign/Likely benign. Review status: criteria provided, multiple submitters, no conflicts (2 of 4 stars). 9 submissions from 9 submitters: Benign (6); Likely benign (2). 1 of the submissions does not count toward it. Last evaluated 2026-08-01.

Conditions:
RETREG1-related disorder. Also called: RETREG1-related condition.
Neuropathy, hereditary sensory and autonomic, type 2B (HSAN2B). Also called: RETREG1-Related HSAN2 (HSAN2B). Identifiers: Orphanet 970, MedGen C2751092, MONDO:0013142, OMIM 613115.
Inborn genetic diseases. Identifiers: MedGen C0950123, MeSH D030342.

Allele frequency attached by ClinVar (database versions not stated): 1000 Genomes Project 30x 0.00172; 1000 Genomes Project 0.00180; TOPMed 0.00437; ESP Exome Variant Server 0.00570; gnomAD exomes 0.00642; ExAC 0.00701.

Submissions (15):

CeGaT Center for Human Genetics Tuebingen
Classification: Likely benign. Last evaluated: 2026-08-01. Review status: criteria provided, single submitter. Criteria: CeGaT Center For Human Genetics Tuebingen Variant Classification Criteria Version 2. Collection method: clinical testing. Allele origin: germline. Affected: yes. Observed: 20 variant alleles.
Comment: RETREG1: BS2

Labcorp Genetics (formerly Invitae), Labcorp
Classification: Benign. Last evaluated: 2026-02-03. Review status: criteria provided, single submitter. Criteria: Invitae Variant Classification Sherloc (09022015). Collection method: clinical testing. Allele origin: germline.

ARUP Laboratories, Molecular Genetics and Genomics, ARUP Laboratories
Classification: Benign for Neuropathy, hereditary sensory and autonomic, type 2B. Last evaluated: 2025-04-08. Review status: criteria provided, single submitter. Criteria: ARUP Molecular Germline Variant Investigation Process 2024. Collection method: clinical testing. Allele origin: germline.

Ambry Genetics
Classification: Likely benign for Inborn genetic diseases. Last evaluated: 2020-07-22. Review status: criteria provided, single submitter. Criteria: Ambry Variant Classification Scheme 2023. Collection method: clinical testing. Allele origin: germline.

Illumina Laboratory Services, Illumina
Classification: Benign for Neuropathy, hereditary sensory and autonomic, type 2B. Last evaluated: 2018-01-13. Review status: criteria provided, single submitter. Criteria: ICSL Variant Classification Criteria 13 December 2019. Collection method: clinical testing. Allele origin: germline.
Comment: This variant was observed in the ICSL laboratory as part of a predisposition screen in an ostensibly healthy population. It had not been previously curated by ICSL or reported in the Human Gene Mutation Database (HGMD: prior to June 1st, 2018), and was therefore a candidate for classification through an automated scoring system. Utilizing variant allele frequency, disease prevalence and penetrance estimates, and inheritance mode, an automated score was calculated to assess if this variant is too frequent to cause the disease. Based on the score and internal cut-off values, a variant classified as benign is not then subjected to further curation. The score for this variant resulted in a classification of benign for this disease.

GeneDx
Classification: Benign. Last evaluated: 2016-10-19. Review status: criteria provided, single submitter. Criteria: GeneDx Variant Classification (06012015). Collection method: clinical testing. Allele origin: germline. Affected: yes.
Comment: This variant is considered likely benign or benign based on one or more of the following criteria: it is a conservative change, it occurs at a poorly conserved position in the protein, it is predicted to be benign by multiple in silico algorithms, and/or has population frequency not consistent with disease.

Mayo Clinic Laboratories, Mayo Clinic
Classification: Benign. Last evaluated: 2016-10-10. Review status: criteria provided, single submitter. Criteria: ACMG Guidelines, 2015. Collection method: clinical testing. Allele origin: germline. Observed: 18 variant alleles.

Breakthrough Genomics
Classification: Benign. Review status: criteria provided, single submitter. Criteria: ACMG Guidelines, 2015. Collection method: not provided. Allele origin: germline. Inheritance: Autosomal recessive inheritance. Affected: yes.

PreventionGenetics, part of Exact Sciences
Classification: Benign for RETREG1-related condition. Last evaluated: 2019-05-22. Review status: no assertion criteria provided. Collection method: clinical testing. Allele origin: germline. Not counted in ClinVar's aggregate classification.
Comment: This variant is classified as benign based on ACMG/AMP sequence variant interpretation guidelines (Richards et al. 2015 PMID: 25741868, with internal and published modifications).

Dr. Peter K. Rogan Lab, Western University
No classification provided (evidence only). Condition: Melanoma. Review status: no classification provided. Collection method: in vitro. Allele origin: not applicable. Functional consequence: retained intron. Not counted in ClinVar's aggregate classification.

Dr. Peter K. Rogan Lab, Western University
No classification provided (evidence only). Condition: Colon adenocarcinoma. Review status: no classification provided. Collection method: in vitro. Allele origin: not applicable. Functional consequence: retained intron. Not counted in ClinVar's aggregate classification.

Dr. Peter K. Rogan Lab, Western University
No classification provided (evidence only). Condition: Colorectal cancer. Review status: no classification provided. Collection method: in vitro. Allele origin: not applicable. Functional consequence: retained intron. Not counted in ClinVar's aggregate classification.

Dr. Peter K. Rogan Lab, Western University
No classification provided (evidence only). Condition: Uterine corpus endometrial carcinoma. Review status: no classification provided. Collection method: in vitro. Allele origin: not applicable. Functional consequence: retained intron. Not counted in ClinVar's aggregate classification.

Dr. Peter K. Rogan Lab, Western University
No classification provided (evidence only). Condition: Uterine corpus endometrial carcinoma. Review status: no classification provided. Collection method: in vitro. Allele origin: not applicable. Functional consequence: retained intron. Not counted in ClinVar's aggregate classification.

Dr. Peter K. Rogan Lab, Western University
No classification provided (evidence only). Condition: Malignant tumor of esophagus. Review status: no classification provided. Collection method: in vitro. Allele origin: not applicable. Functional consequence: retained intron. Not counted in ClinVar's aggregate classification.

NM_001034850.3(RETREG1):c.379C>T (p.Arg127Cys)

Gene: RETREG1 (reticulophagy regulator 1; minus strand). Cytogenetic location: 5p15.1.
Variant type: single nucleotide variant.
Coding change: c.379C>T on transcript NM_001034850.3 (MANE Select); coding-DNA position 379, C replaced by T.
Protein change: p.Arg127Cys; replaces arginine 127 with cysteine.
Molecular consequence: missense variant.
Genome position (GRCh38, 1-based): chr5:16,572,044, G>A on the plus strand (C>T on the coding strand, the complement: RETREG1 is on the minus strand). VCF-style: chr5-16572044-G-A. GRCh37 (hg19) VCF-style: chr5-16572153-G-A.
Other names: short protein forms R127C.
Identifiers: ClinVar variation 377837 (VCV000377837.59), dbSNP rs78314670, ClinGen allele CA3210490.